The following is an entry in ClinVar:

ClinVar aggregate classification (germline): Likely pathogenic (1 of 4 stars; one submission).

Conditions:
Creatine transporter deficiency (CCDS1). Also called: Creatine Transporter (CRTR) Deficiency; Mental retardation , X-linked with seizures, short stature and midface hypoplasia; Mental retardation , X-linked, with creatine transport deficiency; X-linked creatine transporter deficiency; X-linked creatine deficiency syndrome; SLC6A8-Related Creatine Transporter Deficiency. Identifiers: Orphanet 52503, MedGen C1845862, MONDO:0010305, OMIM 300352.

Submission:

MGZ Medical Genetics Center
Classification: Likely pathogenic for Creatine transporter deficiency. Last evaluated: 2022-06-20. Review status: criteria provided, single submitter. Criteria: ACMG Guidelines, 2015. Collection method: clinical testing. Allele origin: germline. Affected: yes. Observed: 1 variant allele.
Comment: ACMG criteria applied: PVS1, PM2_SUP

NM_005629.4(SLC6A8):c.429C>A (p.Tyr143Ter)

Gene: SLC6A8 (solute carrier family 6 member 8; plus strand). Cytogenetic location: Xq28.
Variant type: single nucleotide variant.
Coding change: c.429C>A on transcript NM_005629.4 (MANE Select); coding-DNA position 429, C replaced by A.
Protein change: p.Tyr143Ter; replaces tyrosine 143 with a stop codon.
Molecular consequence: nonsense.
Genome position (GRCh38, 1-based): chrX:153,691,338, C>A. VCF-style: chrX-153691338-C-A. GRCh37 (hg19) VCF-style: chrX-152956793-C-A.
Other names: c.429C>A, p.Tyr143Ter (NM_001142805.2); c.84C>A, p.Tyr28Ter (NM_001142806.1); short protein forms Y143*, Y28*.
Identifiers: ClinVar variation 1709547 (VCV001709547.2), dbSNP rs2148360995, ClinGen allele CA415078467.